The following is an entry in ClinVar:

NM_000208.4(INSR):c.3157C>T (p.Arg1053Cys)

Gene: INSR (insulin receptor; minus strand). Cytogenetic location: 19p13.2.
Variant type: single nucleotide variant.
Coding change: c.3157C>T on transcript NM_000208.4 (MANE Select); coding-DNA position 3157, C replaced by T.
Protein change: p.Arg1053Cys; replaces arginine 1053 with cysteine.
Molecular consequence: missense variant.
Genome position (GRCh38, 1-based): chr19:7,125,384, G>A on the plus strand (C>T on the coding strand, the complement: INSR is on the minus strand). VCF-style: chr19-7125384-G-A. GRCh37 (hg19) VCF-style: chr19-7125395-G-A.
Other names: c.3121C>T, p.Arg1041Cys (NM_001079817.3); short protein forms R1041C, R1053C.
Identifiers: ClinVar variation 2414166 (VCV002414166.6), dbSNP rs185736681, ClinGen allele CA9135350.

ClinVar aggregate classification (germline): Uncertain significance (1 of 4 stars; one submission).

Allele frequency attached by ClinVar (database versions not stated): gnomAD 0.00001; gnomAD exomes 0.00001; TOPMed 0.00001; ExAC 0.00002; 1000 Genomes Project 30x 0.00016; 1000 Genomes Project 0.00020.
gnomAD v4.1: 24 of 1,614,062 alleles (0.0015%); highest among the groups gnomAD compares: African/African-American, 0.0027%; no homozygotes.

Submission:

Labcorp Genetics (formerly Invitae), Labcorp
Classification: Uncertain significance. Last evaluated: 2022-03-12. Review status: criteria provided, single submitter. Criteria: Invitae Variant Classification Sherloc (09022015). Collection method: clinical testing. Allele origin: germline.
Comment: In summary, the available evidence is currently insufficient to determine the role of this variant in disease. Therefore, it has been classified as a Variant of Uncertain Significance. Advanced modeling of protein sequence and biophysical properties (such as structural, functional, and spatial information, amino acid conservation, physicochemical variation, residue mobility, and thermodynamic stability) performed at Invitae indicates that this missense variant is not expected to disrupt INSR protein function. This variant has not been reported in the literature in individuals affected with INSR-related conditions. This variant is present in population databases (rs185736681, gnomAD 0.007%). This sequence change replaces arginine, which is basic and polar, with cysteine, which is neutral and slightly polar, at codon 1053 of the INSR protein (p.Arg1053Cys).